The following is an entry in ClinVar:

NM_001097639.3(FUT3):c.975G>A (p.Thr325=)

Gene: FUT3 (fucosyltransferase 3 (Lewis blood group); minus strand). Cytogenetic location: 19p13.3.
Variant type: single nucleotide variant.
Coding change: c.975G>A on transcript NM_001097639.3 (MANE Select); coding-DNA position 975, G replaced by A.
Protein change: p.Thr325=; no amino-acid change (threonine 325 retained).
Molecular consequence: synonymous variant.
Genome position (GRCh38, 1-based): chr19:5,843,865, C>T on the plus strand (G>A on the coding strand, the complement: FUT3 is on the minus strand). VCF-style: chr19-5843865-C-T. GRCh37 (hg19) VCF-style: chr19-5843876-C-T.
Other names: c.975G>A, p.Thr325= (NM_000149.4, NM_001097640.3, NM_001097641.3 and 8 more transcripts).
Identifiers: ClinVar variation 3044437 (VCV003044437.2), dbSNP rs61737303, ClinGen allele CA9118169.

ClinVar aggregate classification (germline): Benign (0 of 4 stars; one submission).

Conditions:
FUT3-related disorder. Also called: FUT3-related condition.

Allele frequency attached by ClinVar (database versions not stated): gnomAD exomes 0.00029; ExAC 0.00107; 1000 Genomes Project 0.00319; ESP Exome Variant Server 0.00323; gnomAD 0.00338; 1000 Genomes Project 30x 0.00375; TOPMed 0.00399.

Submission:

PreventionGenetics, part of Exact Sciences
Classification: Benign for FUT3-related condition. Last evaluated: 2023-03-30. Review status: no assertion criteria provided. Collection method: clinical testing. Allele origin: germline.
Comment: This variant is classified as benign based on ACMG/AMP sequence variant interpretation guidelines (Richards et al. 2015 PMID: 25741868, with internal and published modifications).